The following is an entry in ClinVar:

NM_000051.4(ATM):c.7747del (p.Arg2582_Ile2583insTer)

Genes: ATM (ATM serine/threonine kinase; plus strand), C11orf65 (chromosome 11 open reading frame 65; minus strand). Cytogenetic location: 11q22.3.
Variant type: Deletion.
Coding change: c.7747del on transcript NM_000051.4 (MANE Select); coding-DNA position 7747, one base deleted (A; older notation c.7747delA).
Protein change: p.Arg2582_Ile2583insTer.
Molecular consequence: nonsense. On other transcripts: intron variant (2).
Genome position (GRCh38, 1-based): chr11:108,331,996, A deleted; the last of 2 consecutive A bases (chr11:108,331,995-108,331,996); deleting either gives the same sequence. VCF-style (leftmost placement, unchanged base first): chr11-108331994-GA-G. GRCh37 (hg19) VCF-style: chr11-108202721-GA-G.
Other names: c.7747del, p.Arg2582_Ile2583insTer (NM_001351834.2); c.641-22924del (NM_001330368.2); c.*38+3225del (NM_001351110.2).
Identifiers: ClinVar variation 4169337 (VCV004169337.1).

ClinVar aggregate classification (germline): Pathogenic (1 of 4 stars; one submission).

Conditions:
Hereditary cancer-predisposing syndrome. Also called: Neoplastic Syndromes, Hereditary; Tumor predisposition; Hereditary neoplastic syndrome; Hereditary Cancer Syndrome. Identifiers: Orphanet 140162, MedGen C0027672, MeSH D009386, MONDO:0015356.

Submission:

Ambry Genetics
Classification: Pathogenic for Hereditary cancer-predisposing syndrome. Last evaluated: 2025-07-29. Review status: criteria provided, single submitter. Criteria: Ambry Variant Classification Scheme 2023. Collection method: clinical testing. Allele origin: germline.
Comment: The c.7747delA pathogenic mutation, located in coding exon 51 of the ATM gene, results from a deletion of one nucleotide at nucleotide position 7747, causing a translational frameshift with a predicted alternate stop codon (p.I2583*). This variant is considered to be rare based on population cohorts in the Genome Aggregation Database (gnomAD). This alteration is expected to result in loss of function by premature protein truncation or nonsense-mediated mRNA decay. As such, this alteration is interpreted as a disease-causing mutation.